The following is an entry in ClinVar:

NM_015166.4(MLC1):c.597+1_597+34del

Gene: MLC1 (modulator of VRAC current 1; minus strand). Cytogenetic location: 22q13.33.
Variant type: Deletion.
Coding change: c.597+1_597+34del on transcript NM_015166.4 (MANE Select); the canonical splice donor site of the intron after coding-DNA position 597 through 34 bases into the intron after coding-DNA position 597, 34 bases deleted.
Molecular consequence: splice donor variant.
Genome position (GRCh38, 1-based): chr22:50,076,807-50,076,840, 34 bases deleted; deleting any 34 consecutive bases within chr22:50,076,807-50,076,844 gives the same sequence; the c. name uses the placement nearest the transcript's 3' end. GRCh37 (hg19): chr22:50,515,240-50,515,273.
Other names: c.441+1_441+34del (NM_001376483.1, NM_001376482.1); c.597+1_597+34del (NM_001376478.1, NM_139202.3, NM_001376477.1 and 6 more transcripts); c.495+1_495+34del (NM_001376481.1); c.360+1_360+34del (NM_001376484.1); c.507+1_507+34del (NM_001376480.1).
Identifiers: ClinVar variation 4886594 (VCV004886594.2).
Genomic context (GRCh38, chr22:50,076,806, plus strand): 5'-TTCGCCAACTCGGAATCGAAACGTGACGTTTAATCCAGCCTCAGTCACCCCCGACAGAGT[ATGAGAGAAAAGAGAAAGAAGGGAAGTTTTCTTAC>A]TGAGTAAGATTTCAGGACCCGAGCAGGAAATGGCACTTCGTCCAGAATGTTGGCGCTGTC-3'

ClinVar aggregate classification (germline): Likely pathogenic (1 of 4 stars; one submission).

Submission:

Dasa
Classification: Likely pathogenic. Last evaluated: 2024-07-30. Review status: criteria provided, single submitter. Criteria: DASA Assertion Criteria. Collection method: clinical testing. Allele origin: germline.
Comment: NM_015166.4(MLC1):c.597+1_597+34del is a splice-region variant predicted to affect normal RNA splicing. This variant is absent from population databases. Based on the currently available evidence, this variant is classified as likely pathogenic.